The following is an entry in ClinVar:

ClinVar aggregate classification (germline): Uncertain significance. Review status: criteria provided, multiple submitters, no conflicts (2 of 4 stars). 2 submissions from 2 submitters: Uncertain significance (2). Last evaluated 2026-07-24.

Conditions:
Cardiovascular phenotype. Identifiers: MedGen CN230736.
Hypertrophic cardiomyopathy. Also called: HYPERTROPHIC MYOCARDIOPATHY. Identifiers: Orphanet 217569, MedGen C0007194, MeSH D002312, MONDO:0005045, HP:0001639.

Allele frequency attached by ClinVar (database versions not stated): TOPMed below 0.00001.

Submissions (2):

Ambry Genetics
Classification: Uncertain significance for Cardiovascular phenotype. Last evaluated: 2026-07-24. Review status: criteria provided, single submitter. Criteria: Ambry Variant Classification Scheme 2023. Collection method: clinical testing. Allele origin: germline.
Comment: The p.G899E variant (also known as c.2696G>A), located in coding exon 26 of the MYBPC3 gene, results from a G to A substitution at nucleotide position 2696. The glycine at codon 899 is replaced by glutamic acid, an amino acid with similar properties. This amino acid position is conserved. In addition, this alteration is predicted to be tolerated by in silico analysis. Based on the available evidence, the clinical significance of this variant remains unclear.

Labcorp Genetics (formerly Invitae), Labcorp
Classification: Uncertain significance for Hypertrophic cardiomyopathy. Last evaluated: 2022-05-30. Review status: criteria provided, single submitter. Criteria: Invitae Variant Classification Sherloc (09022015). Collection method: clinical testing. Allele origin: germline.
Comment: This sequence change replaces glycine, which is neutral and non-polar, with glutamic acid, which is acidic and polar, at codon 899 of the MYBPC3 protein (p.Gly899Glu). In summary, the available evidence is currently insufficient to determine the role of this variant in disease. Therefore, it has been classified as a Variant of Uncertain Significance. Algorithms developed to predict the effect of missense changes on protein structure and function are either unavailable or do not agree on the potential impact of this missense change (SIFT: "Deleterious"; PolyPhen-2: "Probably Damaging"; Align-GVGD: "Class C15"). This variant has not been reported in the literature in individuals affected with MYBPC3-related conditions. This variant is not present in population databases (gnomAD no frequency).

NM_000256.3(MYBPC3):c.2696G>A (p.Gly899Glu)

Gene: MYBPC3 (myosin binding protein C3; minus strand). Cytogenetic location: 11p11.2.
Variant type: single nucleotide variant.
Coding change: c.2696G>A on transcript NM_000256.3 (MANE Select); coding-DNA position 2696, G replaced by A.
Protein change: p.Gly899Glu; replaces glycine 899 with glutamic acid.
Molecular consequence: missense variant.
Genome position (GRCh38, 1-based): chr11:47,335,918, C>T on the plus strand (G>A on the coding strand, the complement: MYBPC3 is on the minus strand). VCF-style: chr11-47335918-C-T. GRCh37 (hg19) VCF-style: chr11-47357469-C-T.
Other names: short protein forms G899E.
Identifiers: ClinVar variation 2060228 (VCV002060228.5), dbSNP rs2095881810, ClinGen allele CA380317236.